The following is an entry in ClinVar:

NM_020937.4(FANCM):c.3960G>C (p.Leu1320Phe)

Gene: FANCM (FA complementation group M; plus strand). Cytogenetic location: 14q21.2.
Variant type: single nucleotide variant.
Coding change: c.3960G>C on transcript NM_020937.4 (MANE Select); coding-DNA position 3960, G replaced by C.
Protein change: p.Leu1320Phe; replaces leucine 1320 with phenylalanine.
Molecular consequence: missense variant.
Genome position (GRCh38, 1-based): chr14:45,176,714, G>C. VCF-style: chr14-45176714-G-C. GRCh37 (hg19) VCF-style: chr14-45645917-G-C.
Other names: c.3882G>C, p.Leu1294Phe (NM_001308133.2); short protein forms L1320F, L1294F.
Identifiers: ClinVar variation 2172023 (VCV002172023.4), dbSNP rs745456931, ClinGen allele CA389603738.

ClinVar aggregate classification (germline): Uncertain significance (1 of 4 stars; one submission).

Conditions:
Fanconi anemia (FA). Also called: Fanconi's anemia. Identifiers: Orphanet 84, MedGen C0015625, MeSH D005199, MONDO:0019391.

Submission:

Labcorp Genetics (formerly Invitae), Labcorp
Classification: Uncertain significance for Fanconi anemia. Last evaluated: 2022-07-01. Review status: criteria provided, single submitter. Criteria: Invitae Variant Classification Sherloc (09022015). Collection method: clinical testing. Allele origin: germline.
Comment: This variant is not present in population databases (gnomAD no frequency). In summary, the available evidence is currently insufficient to determine the role of this variant in disease. Therefore, it has been classified as a Variant of Uncertain Significance. Algorithms developed to predict the effect of missense changes on protein structure and function output the following: SIFT: "Tolerated"; PolyPhen-2: "Benign"; Align-GVGD: "Class C0". The phenylalanine amino acid residue is found in multiple mammalian species, which suggests that this missense change does not adversely affect protein function. This variant has not been reported in the literature in individuals affected with FANCM-related conditions. This sequence change replaces leucine, which is neutral and non-polar, with phenylalanine, which is neutral and non-polar, at codon 1320 of the FANCM protein (p.Leu1320Phe).